The following is an entry in ClinVar:

NM_001273.5(CHD4):c.2899C>T (p.Pro967Ser)

Gene: CHD4 (chromodomain helicase DNA binding protein 4; minus strand). Cytogenetic location: 12p13.31.
Variant type: single nucleotide variant.
Coding change: c.2899C>T on transcript NM_001273.5 (MANE Select); coding-DNA position 2899, C replaced by T.
Protein change: p.Pro967Ser; replaces proline 967 with serine.
Molecular consequence: missense variant.
Genome position (GRCh38, 1-based): chr12:6,592,442, G>A on the plus strand (C>T on the coding strand, the complement: CHD4 is on the minus strand). VCF-style: chr12-6592442-G-A. GRCh37 (hg19) VCF-style: chr12-6701608-G-A.
Other names: c.2878C>T, p.Pro960Ser (NM_001297553.2); c.2860C>T, p.Pro954Ser (NM_001363606.2); short protein forms P954S, P960S, P967S.
Identifiers: ClinVar variation 3383807 (VCV003383807.1).

ClinVar aggregate classification (germline): Uncertain significance (1 of 4 stars; one submission).

Submission:

GeneDx
Classification: Uncertain significance. Last evaluated: 2024-05-28. Review status: criteria provided, single submitter. Criteria: GeneDx Variant Classification Process June 2021. Collection method: clinical testing. Allele origin: germline. Affected: yes.
Comment: Not observed at significant frequency in large population cohorts (gnomAD); In silico analysis supports that this missense variant has a deleterious effect on protein structure/function; Has not been previously published as pathogenic or benign to our knowledge